The following is an entry in ClinVar:

NM_004629.2(FANCG):c.640C>T (p.Arg214Cys)

Gene: FANCG (FA complementation group G; minus strand). Cytogenetic location: 9p13.3.
Variant type: single nucleotide variant.
Coding change: c.640C>T on transcript NM_004629.2 (MANE Select); coding-DNA position 640, C replaced by T.
Protein change: p.Arg214Cys; replaces arginine 214 with cysteine.
Molecular consequence: missense variant.
Genome position (GRCh38, 1-based): chr9:35,077,270, G>A on the plus strand (C>T on the coding strand, the complement: FANCG is on the minus strand). VCF-style: chr9-35077270-G-A. GRCh37 (hg19) VCF-style: chr9-35077267-G-A.
Other names: short protein forms R214C.
Identifiers: ClinVar variation 134366 (VCV000134366.23), dbSNP rs61757385, ClinGen allele CA159613.

ClinVar aggregate classification (germline): Benign/Likely benign. Review status: criteria provided, multiple submitters, no conflicts (2 of 4 stars). 8 submissions from 8 submitters: Benign (4); Likely benign (3). 1 of the submissions does not count toward it. Last evaluated 2026-02-03.

Conditions:
Fanconi anemia (FA). Also called: Fanconi's anemia. Identifiers: Orphanet 84, MedGen C0015625, MeSH D005199, MONDO:0019391.
Fanconi anemia complementation group G. Also called: FANCG-Related Fanconi Anemia; Fanconi anemia group G. Identifiers: Orphanet 84, MedGen C3469527, MONDO:0013565, OMIM 614082.

Allele frequency attached by ClinVar (database versions not stated): gnomAD exomes 0.00028 and 0.00071; ExAC 0.00087; gnomAD 0.00272 and 0.00285; TOPMed 0.00313; ESP Exome Variant Server 0.00361; 1000 Genomes Project 0.00459.

Submissions (8):

Labcorp Genetics (formerly Invitae), Labcorp
Classification: Benign for Fanconi anemia. Last evaluated: 2026-02-03. Review status: criteria provided, single submitter. Criteria: Invitae Variant Classification Sherloc (09022015). Collection method: clinical testing. Allele origin: germline.

ARUP Laboratories, Molecular Genetics and Genomics, ARUP Laboratories
Classification: Likely benign for Fanconi anemia complementation group G. Last evaluated: 2025-01-13. Review status: criteria provided, single submitter. Criteria: ARUP Molecular Germline Variant Investigation Process 2024. Collection method: clinical testing. Allele origin: germline.

Blueprint Genetics
Classification: Likely benign. Last evaluated: 2024-08-27. Review status: criteria provided, single submitter. Criteria: ACMG Guidelines, 2015. Collection method: clinical testing. Allele origin: germline.

Sema4
Classification: Likely benign for Fanconi anemia. Last evaluated: 2021-07-08. Review status: criteria provided, single submitter. Criteria: Sema4 Curation Guidelines. Collection method: curation. Allele origin: germline.

Genetic Services Laboratory, University of Chicago
Classification: Benign. Last evaluated: 2021-03-05. Review status: criteria provided, single submitter. Criteria: ACMG Guidelines, 2015. Collection method: clinical testing. Allele origin: germline. Affected: no.

Illumina Laboratory Services, Illumina
Classification: Benign for Fanconi anemia complementation group G. Last evaluated: 2017-04-28. Review status: criteria provided, single submitter. Criteria: ICSL Variant Classification Criteria 13 December 2019. Collection method: clinical testing. Allele origin: germline.
Comment: This variant was observed as part of a predisposition screen in an ostensibly healthy population. A literature search was performed for the gene, cDNA change, and amino acid change (where applicable). No publications were found based on this search. Allele frequency data from public databases was too high to be consistent with this variant causing disease. Therefore, this variant is classified as benign.

PreventionGenetics, part of Exact Sciences
Classification: Benign. Review status: criteria provided, single submitter. Criteria: ACMG Guidelines, 2015. Collection method: clinical testing. Allele origin: germline.

ITMI
No classification provided. Condition: AllHighlyPenetrant. Last evaluated: 2013-09-19. Review status: no classification provided. Collection method: reference population. Allele origin: germline. Not counted in ClinVar's aggregate classification.
Comment: Please see associated publication for description of ethnicities

Literature cited by the submitters: PubMed 24728327 (cited by ITMI).